The following is an entry in ClinVar:

ClinVar aggregate classification (germline): Uncertain significance (1 of 4 stars; one submission).

Conditions:
Inborn genetic diseases. Identifiers: MedGen C0950123, MeSH D030342.

Submission:

Ambry Genetics
Classification: Uncertain significance for Inborn genetic diseases. Last evaluated: 2022-07-10. Review status: criteria provided, single submitter. Criteria: Ambry Variant Classification Scheme 2023. Collection method: clinical testing. Allele origin: germline.
Comment: The p.V1170M variant (also known as c.3508G>A), located in coding exon 18 of the ATR gene, results from a G to A substitution at nucleotide position 3508. The valine at codon 1170 is replaced by methionine, an amino acid with highly similar properties. This amino acid position is conserved. In addition, the in silico prediction for this alteration is inconclusive. Since supporting evidence is limited at this time, the clinical significance of this alteration remains unclear.

NM_001184.4(ATR):c.3508G>A (p.Val1170Met)

Gene: ATR (ATR checkpoint kinase; minus strand). Cytogenetic location: 3q23.
Variant type: single nucleotide variant.
Coding change: c.3508G>A on transcript NM_001184.4 (MANE Select); coding-DNA position 3508, G replaced by A.
Protein change: p.Val1170Met; replaces valine 1170 with methionine.
Molecular consequence: missense variant.
Genome position (GRCh38, 1-based): chr3:142,540,977, C>T on the plus strand (G>A on the coding strand, the complement: ATR is on the minus strand). VCF-style: chr3-142540977-C-T. GRCh37 (hg19) VCF-style: chr3-142259819-C-T.
Other names: c.3316G>A, p.Val1106Met (NM_001354579.2); short protein forms V1170M, V1106M.
Identifiers: ClinVar variation 1732131 (VCV001732131.2), dbSNP rs2473328242, ClinGen allele CA354807853.